The following is an entry in ClinVar:

ClinVar aggregate classification (germline): Uncertain significance. Review status: criteria provided, multiple submitters, no conflicts (2 of 4 stars). 3 submissions from 3 submitters: Uncertain significance (3). Last evaluated 2025-11-24.

Conditions:
Hereditary cancer-predisposing syndrome. Also called: Neoplastic Syndromes, Hereditary; Tumor predisposition; Hereditary Cancer Syndrome; Hereditary neoplastic syndrome. Identifiers: Orphanet 140162, MedGen C0027672, MeSH D009386, MONDO:0015356.
Rhabdoid tumor predisposition syndrome 2 (RTPS2). Identifiers: Orphanet 231108, Orphanet 69077, MedGen C2750074, MONDO:0013224, OMIM 613325.

Allele frequency attached by ClinVar (database versions not stated): gnomAD below 0.00001 and 0.00001; gnomAD exomes below 0.00001; ExAC 0.00001.
gnomAD v4.1: 6 of 1,613,906 alleles (0.00037%); highest among the groups gnomAD compares: South Asian, 0.0066%; no homozygotes.

Submissions (3):

Labcorp Genetics (formerly Invitae), Labcorp
Classification: Uncertain significance for Rhabdoid tumor predisposition syndrome 2. Last evaluated: 2025-11-24. Review status: criteria provided, single submitter. Criteria: Invitae Variant Classification Sherloc (09022015). Collection method: clinical testing. Allele origin: germline.
Comment: This sequence change replaces glycine, which is neutral and non-polar, with cysteine, which is neutral and slightly polar, at codon 102 of the SMARCA4 protein (p.Gly102Cys). This variant is present in population databases (rs779627018, gnomAD 0.003%). This variant has not been reported in the literature in individuals affected with SMARCA4-related conditions. ClinVar contains an entry for this variant (Variation ID: 484912). An algorithm developed to predict the effect of missense changes on protein structure and function (PolyPhen-2) suggests that this variant is likely to be disruptive. In summary, the available evidence is currently insufficient to determine the role of this variant in disease. Therefore, it has been classified as a Variant of Uncertain Significance.

Ambry Genetics
Classification: Uncertain significance for Hereditary cancer-predisposing syndrome. Last evaluated: 2024-02-27. Review status: criteria provided, single submitter. Criteria: Ambry Variant Classification Scheme 2023. Collection method: clinical testing. Allele origin: germline.
Comment: The p.G102C variant (also known as c.304G>T), located in coding exon 2 of the SMARCA4 gene, results from a G to T substitution at nucleotide position 304. The glycine at codon 102 is replaced by cysteine, an amino acid with highly dissimilar properties. This amino acid position is not well conserved in available vertebrate species. In addition, the in silico prediction for this alteration is inconclusive. Based on the available evidence, the clinical significance of this alteration remains unclear.

Baylor Genetics
Classification: Uncertain significance for Rhabdoid tumor predisposition syndrome 2. Last evaluated: 2023-05-04. Review status: criteria provided, single submitter. Criteria: ACMG Guidelines, 2015. Collection method: clinical testing. Allele origin: unknown.

NM_003072.5(SMARCA4):c.304G>T (p.Gly102Cys)

Gene: SMARCA4 (SWI/SNF related BAF chromatin remodeling complex subunit ATPase 4; plus strand). Cytogenetic location: 19p13.2.
Variant type: single nucleotide variant.
Coding change: c.304G>T on transcript NM_003072.5 (MANE Select); coding-DNA position 304, G replaced by T.
Protein change: p.Gly102Cys; replaces glycine 102 with cysteine.
Molecular consequence: missense variant. On other transcripts: non-coding transcript variant (1).
Genome position (GRCh38, 1-based): chr19:10,985,354, G>T. VCF-style: chr19-10985354-G-T. GRCh37 (hg19) VCF-style: chr19-11096030-G-T.
Other names: c.304G>T, p.Gly102Cys (NM_001128844.3, NM_001128845.2, NM_001128846.2 and 5 more transcripts); short protein forms G102C.
Identifiers: ClinVar variation 484912 (VCV000484912.11), dbSNP rs779627018, ClinGen allele CA9203455.